The following is an entry in ClinVar:

NM_001042492.3(NF1):c.4637T>C (p.Leu1546Pro)

Gene: NF1 (neurofibromin 1; plus strand). Cytogenetic location: 17q11.2.
Variant type: single nucleotide variant.
Coding change: c.4637T>C on transcript NM_001042492.3 (MANE Select); coding-DNA position 4637, T replaced by C.
Protein change: p.Leu1546Pro; replaces leucine 1546 with proline.
Molecular consequence: missense variant.
Genome position (GRCh38, 1-based): chr17:31,261,770, T>C. VCF-style: chr17-31261770-T-C. GRCh37 (hg19) VCF-style: chr17-29588788-T-C.
Other names: c.4574T>C, p.Leu1525Pro (NM_000267.4); short protein forms L1525P, L1546P.
Identifiers: ClinVar variation 233964 (VCV000233964.12), dbSNP rs876660760, ClinGen allele CA10580322.
Genomic context (GRCh38, chr17:31,261,770, plus strand): 5'-GGGATCATAAAGCTGTTGGAAGACGACCTTTTGATAAGATGGCAACACTTCTTGCATACC[T>C]GGGTCCTCCAGAGCACAAACCTGTGGCAGATACACACTGGTCCAGCCTTAACCTTACCAG-3'
Protein context (NP_001035957.1, residues 1536-1556): FDKMATLLAY[Leu1546Pro]GPPEHKPVAD

ClinVar aggregate classification (germline): Uncertain significance. Review status: criteria provided, multiple submitters, no conflicts (2 of 4 stars). 3 submissions from 3 submitters: Uncertain significance (3). Last evaluated 2022-03-15.

Conditions:
Hereditary cancer-predisposing syndrome. Also called: Tumor predisposition; Hereditary Cancer Syndrome; Hereditary neoplastic syndrome; Neoplastic Syndromes, Hereditary. Identifiers: Orphanet 140162, MedGen C0027672, MeSH D009386, MONDO:0015356.
Neurofibromatosis, type 1 (NF1). Also called: VON RECKLINGHAUSEN DISEASE; NEUROFIBROMATOSIS, TYPE I, SOMATIC; Peripheral type neurofibromatosis; Neurofibromatosis, type I. Identifiers: Orphanet 636, MedGen C0027831, MONDO:0018975, OMIM 162200. Disease mechanism: loss of function.

Submissions (3):

Genome-Nilou Lab
Classification: Uncertain significance for Neurofibromatosis, type 1. Last evaluated: 2022-03-15. Review status: criteria provided, single submitter. Criteria: ACMG Guidelines, 2015. Collection method: clinical testing. Allele origin: germline. Affected: no.

Labcorp Genetics (formerly Invitae), Labcorp
Classification: Uncertain significance for Neurofibromatosis, type 1. Last evaluated: 2019-01-29. Review status: criteria provided, single submitter. Criteria: Invitae Variant Classification Sherloc (09022015). Collection method: clinical testing. Allele origin: germline.
Comment: In summary, the available evidence is currently insufficient to determine the role of this variant in disease. Therefore, it has been classified as a Variant of Uncertain Significance. Algorithms developed to predict the effect of missense changes on protein structure and function are either unavailable or do not agree on the potential impact of this missense change (SIFT: "Deleterious"; PolyPhen-2: "Probably Damaging"; Align-GVGD: "Class C0"). This variant has been reported in individuals in the Leiden Open-source Variation Database (PMID: 21520333). ClinVar contains an entry for this variant (Variation ID: 233964). This variant is not present in population databases (ExAC no frequency). This sequence change replaces leucine with proline at codon 1525 of the NF1 protein (p.Leu1525Pro). The leucine residue is highly conserved and there is a moderate physicochemical difference between leucine and proline.

Ambry Genetics
Classification: Uncertain significance for Hereditary cancer-predisposing syndrome. Last evaluated: 2015-09-22. Review status: criteria provided, single submitter. Criteria: Ambry Autosomal Dominant and X-Linked criteria (10/2015). Collection method: clinical testing. Allele origin: germline. Observed: 1 variant allele.
Comment: The p.L1546P variant (also known as c.4637T>C), located in coding exon 35 of the NF1 gene, results from a T to C substitution at nucleotide position 4637. The leucine at codon 1546 is replaced by proline, an amino acid with some similar properties. This variant was not reported in population based cohorts in the following databases: Database of Single Nucleotide Polymorphisms (dbSNP), NHLBI Exome Sequencing Project (ESP), and 1000 Genomes Project. In the ESP, this variant was not observed in 6503 samples (13006 alleles) with coverage at this position. To date, this alteration has been detected with an allele frequency of approximately 0.002% (greater than 55,000 alleles tested) in our clinical cohort.This amino acid position is highly conserved in available vertebrate species. In addition, this alteration is predicted to be deleterious by in silico analysis.Since supporting evidence is limited at this time, the clinical significance of p.L1546P remains unclear.

Literature cited by the submitters: PubMed 21520333 (cited by Labcorp Genetics (formerly Invitae), Labcorp).